The following is an entry in ClinVar:

ClinVar aggregate classification (germline): Uncertain significance. Review status: reviewed by expert panel (3 of 4 stars). 3 submissions from 3 submitters: Uncertain significance (1). 2 of the submissions do not count toward it. Last evaluated 2025-07-21.

Conditions:
Mucopolysaccharidosis, MPS-I-S. Also called: MUCOPOLYSACCHARIDOSIS TYPE IS; MPS V; MUCOPOLYSACCHARIDOSIS TYPE V; Scheie Syndrome. Identifiers: Orphanet 93474, MedGen C0026708, MONDO:0011760, OMIM 607016.
Mucopolysaccharidosis, MPS-I-H/S. Also called: Mucopolysaccharidosis type IH/S. Identifiers: Orphanet 93476, MedGen C0086431, MONDO:0011759, OMIM 607015.
Hurler syndrome. Also called: MUCOPOLYSACCHARIDOSIS TYPE IH; Severe MPS I (Hurler Syndrome); Gargoylism, Hurler Syndrome. Identifiers: Orphanet 93473, MedGen C0086795, MONDO:0011758, OMIM 607014.
Mucopolysaccharidosis type 1. Also called: IDUA deficiency; MPS I; Mucopolysaccharidosis Type I. Identifiers: Orphanet 579, MedGen C0023786, MONDO:0001586.

Submissions (3):

ClinGen Lysosomal Storage Disorder Variant Curation Expert Panel
Classification: Uncertain significance for Mucopolysaccharidosis type 1. Last evaluated: 2025-07-21. Review status: reviewed by expert panel. Criteria: ClinGen LSD ACMG Specifications IDUA V1.0.0. Collection method: curation. Allele origin: germline. Inheritance: Autosomal recessive inheritance.
Comment: The NM_000203.5(IDUA):c.1603C>T variant in IDUA is a missense variant predicted to cause substitution of leucine by phenylalanine at amino acid 535 (p.Leu535Phe). This variant has been reported in a proband and sibling with MPS I (PMID: 20026495, 30809705, 21394825). Both of them are compound heterozygous for c.1603C>T (p.Leu535Phe) and another variant in IDUA that has been classified by the ClinGen LD VCEP as pathogenic for MPS I c.1205G>A (p.Trp402Ter) (ClinVar Variation ID: 11908); (1 point due to phase known, PM3_Moderate). (PP4_Moderate). The variant is absent from gnomAD v4.1.0. (PM2_Supporting). The computational predictor REVEL gives a score of 0.584, which is neither above nor below the thresholds of predicted damaging >0.644 or benign <0.29 impact on IDUA Function. There is a ClinVar entry for this variant (Variation ID: 638076). In summary, this variant meets the criteria to be classified as VUS for MPS I based on the IDUA-specific ACMG/AMP criteria applied, as specified by the ClinGen Lysosomal Diseases Variant Curation Expert Panel (Specifications Version 1.0.0): PM3, PP4_Moderate, PM2_Supporting (Classification approved by the ClinGen Lysosomal Diseases Variant Curation Expert Panel, July 21, 2025)

Fulgent Genetics
Classification: Likely pathogenic for Hurler syndrome; Mucopolysaccharidosis, MPS-I-H/S; Mucopolysaccharidosis, MPS-I-S. Last evaluated: 2024-01-10. Review status: criteria provided, single submitter. Criteria: ACMG Guidelines, 2015. Collection method: clinical testing. Allele origin: germline. Not counted in ClinVar's aggregate classification.

Laboratory of Diagnosis and Therapy of Lysosomal Disorders, University of Padova
Classification: Uncertain significance for Mucopolysaccharidosis type I. Last evaluated: 2019-01-01. Review status: criteria provided, single submitter. Criteria: ACMG Guidelines, 2015. Collection method: literature only. Allele origin: germline. Affected: yes. Not counted in ClinVar's aggregate classification.
Comment: PM2: Absent from GnomAD. PP3:multiple lines of computational evidence supporting a deleterious effect (DANN, MutationTaster, GERP, SIFT)

Literature cited by the submitters: PubMed 20026495 (cited by Laboratory of Diagnosis and Therapy of Lysosomal Disorders, University of Padova); PubMed 21394825 (cited by Laboratory of Diagnosis and Therapy of Lysosomal Disorders, University of Padova); PubMed 30809705 (cited by Laboratory of Diagnosis and Therapy of Lysosomal Disorders, University of Padova).

NM_000203.5(IDUA):c.1603C>T (p.Leu535Phe)

Gene: IDUA (alpha-L-iduronidase; plus strand). Cytogenetic location: 4p16.3.
Variant type: single nucleotide variant.
Coding change: c.1603C>T on transcript NM_000203.5 (MANE Select); coding-DNA position 1603, C replaced by T.
Protein change: p.Leu535Phe; replaces leucine 535 with phenylalanine.
Molecular consequence: missense variant. On other transcripts: non-coding transcript variant (1).
Genome position (GRCh38, 1-based): chr4:1,003,423, C>T. VCF-style: chr4-1003423-C-T. GRCh37 (hg19) VCF-style: chr4-997211-C-T.
Other names: NM_000203.5(IDUA):c.1603C>T; p.Leu535Phe; c.1207C>T, p.Leu403Phe (NM_001363576.1); short protein forms L535F, L403F.
Identifiers: ClinVar variation 638076 (VCV000638076.2), dbSNP rs1577543849, ClinGen allele CA355965038.
Genomic context (GRCh38, chr4:1,003,423, plus strand): 5'-CCCCGCCCCTTACCCGCCGGCGGCCGCCTGACCCTGCGCCCCGCGCTGCGGCTGCCGTCG[C>T]TTTTGCTGGTGCACGTGTGTGCGCGCCCCGAGAAGCCGCCCGGGCAGGCAAGTGGCAGTC-3'
Protein context (NP_000194.2, residues 525-545): TLRPALRLPS[Leu535Phe]LLVHVCARPE